The following is an entry in ClinVar:

NM_000628.5(IL10RB):c.331+4A>T

Genes: IFNAR2-IL10RB (IFNAR2-IL10RB readthrough; plus strand), IL10RB (interleukin 10 receptor subunit beta; plus strand). Cytogenetic location: 21q22.11.
Variant type: single nucleotide variant.
Coding change: c.331+4A>T on transcript NM_000628.5 (MANE Select); 4 bases into the intron after coding-DNA position 331, A replaced by T.
Molecular consequence: intron variant.
Genome position (GRCh38, 1-based): chr21:33,276,757, A>T. VCF-style: chr21-33276757-A-T. GRCh37 (hg19) VCF-style: chr21-34649062-A-T.
Identifiers: ClinVar variation 2100543 (VCV002100543.4), dbSNP rs1989179232, ClinGen allele CA2580098587.

ClinVar aggregate classification (germline): Uncertain significance (1 of 4 stars; one submission).

Conditions:
Inflammatory bowel disease 25. Also called: Inflammatory bowel disease 25, early onset, autosomal recessive. Identifiers: Orphanet 238569, MedGen C2675508, MONDO:0012941, OMIM 612567.

Submission:

Labcorp Genetics (formerly Invitae), Labcorp
Classification: Uncertain significance for Inflammatory bowel disease 25. Last evaluated: 2022-03-11. Review status: criteria provided, single submitter. Criteria: Invitae Variant Classification Sherloc (09022015). Collection method: clinical testing. Allele origin: germline.
Comment: This sequence change falls in intron 3 of the IL10RB gene. It does not directly change the encoded amino acid sequence of the IL10RB protein. It affects a nucleotide within the consensus splice site. This variant is not present in population databases (gnomAD no frequency). This variant has not been reported in the literature in individuals affected with IL10RB-related conditions. Variants that disrupt the consensus splice site are a relatively common cause of aberrant splicing (PMID: 17576681, 9536098). Algorithms developed to predict the effect of sequence changes on RNA splicing suggest that this variant may disrupt the consensus splice site. In summary, the available evidence is currently insufficient to determine the role of this variant in disease. Therefore, it has been classified as a Variant of Uncertain Significance.

Literature cited by the submitters: PubMed 17576681; PubMed 9536098.